The following is an entry in ClinVar:

NC_000017.10:g.(?_5485159)_(5487277_?)del

Gene: NLRP1 (NLR family pyrin domain containing 1; minus strand). Cytogenetic location: 17p13.2.
Variant type: Deletion.
Identifiers: ClinVar variation 3243211 (VCV003243211.1).

ClinVar aggregate classification (germline): Uncertain significance (1 of 4 stars; one submission).

Submission:

Labcorp Genetics (formerly Invitae), Labcorp
Classification: Uncertain significance. Last evaluated: 2023-08-24. Review status: criteria provided, single submitter. Criteria: Invitae Variant Classification Sherloc (09022015). Collection method: clinical testing. Allele origin: unknown.
Comment: In summary, the available evidence is currently insufficient to determine the role of this variant in disease. Therefore, it has been classified as a Variant of Uncertain Significance. This variant has not been reported in the literature in individuals affected with NLRP1-related conditions. This variant is a gross deletion of the genomic region encompassing exon(s) 1-3 of the NLRP1 gene, which includes the initiator codon. This deletion extends beyond the assayed region for this gene and therefore may encompass additional genes. It is expected to result in an absent or disrupted protein product. However, the current clinical and genetic evidence is not sufficient to establish whether loss-of-function variants in NLRP1 cause disease.